The following is an entry in ClinVar:

NM_000350.3(ABCA4):c.1156G>A (p.Ala386Thr)

Gene: ABCA4 (ATP binding cassette subfamily A member 4; minus strand). Cytogenetic location: 1p22.1.
Variant type: single nucleotide variant.
Coding change: c.1156G>A on transcript NM_000350.3 (MANE Select); coding-DNA position 1156, G replaced by A.
Protein change: p.Ala386Thr; replaces alanine 386 with threonine.
Molecular consequence: missense variant.
Genome position (GRCh38, 1-based): chr1:94,079,405, C>T on the plus strand (G>A on the coding strand, the complement: ABCA4 is on the minus strand). VCF-style: chr1-94079405-C-T. GRCh37 (hg19) VCF-style: chr1-94544961-C-T.
Other names: c.1156G>A, p.Ala386Thr (NM_001425324.1); short protein forms A386T.
Identifiers: ClinVar variation 1359836 (VCV001359836.6), dbSNP rs770754513, ClinGen allele CA958621.

ClinVar aggregate classification (germline): Uncertain significance. Review status: criteria provided, multiple submitters, no conflicts (2 of 4 stars). 2 submissions from 2 submitters: Uncertain significance (2). Last evaluated 2023-08-04.

Allele frequency attached by ClinVar (database versions not stated): gnomAD 0.00004 and 0.00005.
gnomAD v4.1: 55 of 1,613,986 alleles (0.0034%); highest among the groups gnomAD compares: South Asian, 0.026%; no homozygotes.

Submissions (2):

Blueprint Genetics
Classification: Uncertain significance. Last evaluated: 2023-08-04. Review status: criteria provided, single submitter. Criteria: ACMG Guidelines, 2015. Collection method: clinical testing. Allele origin: germline.

Labcorp Genetics (formerly Invitae), Labcorp
Classification: Uncertain significance. Last evaluated: 2022-05-19. Review status: criteria provided, single submitter. Criteria: Invitae Variant Classification Sherloc (09022015). Collection method: clinical testing. Allele origin: germline.
Comment: This sequence change replaces alanine, which is neutral and non-polar, with threonine, which is neutral and polar, at codon 386 of the ABCA4 protein (p.Ala386Thr). This variant is present in population databases (rs770754513, gnomAD 0.01%). This variant has not been reported in the literature in individuals affected with ABCA4-related conditions. Advanced modeling of protein sequence and biophysical properties (such as structural, functional, and spatial information, amino acid conservation, physicochemical variation, residue mobility, and thermodynamic stability) performed at Invitae indicates that this missense variant is not expected to disrupt ABCA4 protein function. In summary, the available evidence is currently insufficient to determine the role of this variant in disease. Therefore, it has been classified as a Variant of Uncertain Significance.